The following is an entry in ClinVar:

NM_000180.4(GUCY2D):c.785C>A (p.Ala262Asp)

Gene: GUCY2D (guanylate cyclase 2D, retinal; plus strand). Cytogenetic location: 17p13.1.
Variant type: single nucleotide variant.
Coding change: c.785C>A on transcript NM_000180.4 (MANE Select); coding-DNA position 785, C replaced by A.
Protein change: p.Ala262Asp; replaces alanine 262 with aspartic acid.
Molecular consequence: missense variant.
Genome position (GRCh38, 1-based): chr17:8,003,915, C>A. VCF-style: chr17-8003915-C-A. GRCh37 (hg19) VCF-style: chr17-7907233-C-A.
Other names: short protein forms A262D.
Identifiers: ClinVar variation 2121733 (VCV002121733.4), dbSNP rs2545418613, ClinGen allele CA397945156.

ClinVar aggregate classification (germline): Uncertain significance (1 of 4 stars; one submission).

Conditions:
Leber congenital amaurosis 1 (LCA1). Also called: Congenital absence of the rods and cones; Leber's congenital tapetoretinal degeneration; Leber's congenital tapetoretinal dysplasia; AMAUROSIS CONGENITA OF LEBER I; RETINAL BLINDNESS, CONGENITAL. Identifiers: Orphanet 65, MedGen C2931258, MONDO:0008764, OMIM 204000.
Cone-rod dystrophy 6 (CORD6). Also called: Cone dystrophy progressive; RETINAL CONE DYSTROPHY 2. Identifiers: Orphanet 1872, MedGen C1866293, MONDO:0011143, OMIM 601777.

Submission:

Labcorp Genetics (formerly Invitae), Labcorp
Classification: Uncertain significance for Leber congenital amaurosis 1; Cone-rod dystrophy 6. Last evaluated: 2022-08-06. Review status: criteria provided, single submitter. Criteria: Invitae Variant Classification Sherloc (09022015). Collection method: clinical testing. Allele origin: germline.
Comment: In summary, the available evidence is currently insufficient to determine the role of this variant in disease. Therefore, it has been classified as a Variant of Uncertain Significance. Algorithms developed to predict the effect of missense changes on protein structure and function (SIFT, PolyPhen-2, Align-GVGD) all suggest that this variant is likely to be disruptive. This variant has not been reported in the literature in individuals affected with GUCY2D-related conditions. This variant is not present in population databases (gnomAD no frequency). This sequence change replaces alanine, which is neutral and non-polar, with aspartic acid, which is acidic and polar, at codon 262 of the GUCY2D protein (p.Ala262Asp).